The following is an entry in ClinVar:

ClinVar aggregate classification (germline): Uncertain significance. Review status: criteria provided, multiple submitters, no conflicts (2 of 4 stars). 2 submissions from 2 submitters: Uncertain significance (2). Last evaluated 2025-10-21.

Conditions:
Hereditary cancer-predisposing syndrome. Also called: Neoplastic Syndromes, Hereditary; Tumor predisposition; Hereditary Cancer Syndrome; Hereditary neoplastic syndrome. Identifiers: Orphanet 140162, MedGen C0027672, MeSH D009386, MONDO:0015356.
Oligodontia-cancer predisposition syndrome. Also called: TOOTH AGENESIS-COLORECTAL CANCER SYNDROME. Identifiers: Orphanet 300576, MedGen C1837750, MONDO:0012075, OMIM 608615. Disease mechanism: loss of function.

Allele frequency attached by ClinVar (database versions not stated): gnomAD exomes 0.00001.
gnomAD v4.1: 7 of 1,614,106 alleles (0.00043%); highest among the groups gnomAD compares: Non-Finnish European, 0.00059%; no homozygotes.

Submissions (2):

Labcorp Genetics (formerly Invitae), Labcorp
Classification: Uncertain significance for Oligodontia-cancer predisposition syndrome. Last evaluated: 2025-10-21. Review status: criteria provided, single submitter. Criteria: Invitae Variant Classification Sherloc (09022015). Collection method: clinical testing. Allele origin: germline.
Comment: This sequence change replaces leucine, which is neutral and non-polar, with tryptophan, which is neutral and slightly polar, at codon 385 of the AXIN2 protein (p.Leu385Trp). This variant is not present in population databases (gnomAD no frequency). This variant has not been reported in the literature in individuals affected with AXIN2-related conditions. ClinVar contains an entry for this variant (Variation ID: 1735003). Invitae Evidence Modeling of protein sequence and biophysical properties (such as structural, functional, and spatial information, amino acid conservation, physicochemical variation, residue mobility, and thermodynamic stability) indicates that this missense variant is not expected to disrupt AXIN2 protein function with a negative predictive value of 80%. In summary, the available evidence is currently insufficient to determine the role of this variant in disease. Therefore, it has been classified as a Variant of Uncertain Significance.

Ambry Genetics
Classification: Uncertain significance for Hereditary cancer-predisposing syndrome. Last evaluated: 2024-09-13. Review status: criteria provided, single submitter. Criteria: Ambry Variant Classification Scheme 2023. Collection method: clinical testing. Allele origin: germline.
Comment: The p.L385W variant (also known as c.1154T>G), located in coding exon 4 of the AXIN2 gene, results from a T to G substitution at nucleotide position 1154. The leucine at codon 385 is replaced by tryptophan, an amino acid with similar properties. This amino acid position is not well conserved in available vertebrate species. In addition, the in silico prediction for this alteration is inconclusive. Based on the available evidence, the clinical significance of this variant remains unclear.

NM_004655.4(AXIN2):c.1154T>G (p.Leu385Trp)

Gene: AXIN2 (axin 2; minus strand). Cytogenetic location: 17q24.1.
Variant type: single nucleotide variant.
Coding change: c.1154T>G on transcript NM_004655.4 (MANE Select); coding-DNA position 1154, T replaced by G.
Protein change: p.Leu385Trp; replaces leucine 385 with tryptophan.
Molecular consequence: missense variant.
Genome position (GRCh38, 1-based): chr17:65,538,249, A>C on the plus strand (T>G on the coding strand, the complement: AXIN2 is on the minus strand). VCF-style: chr17-65538249-A-C. GRCh37 (hg19) VCF-style: chr17-63534367-A-C.
Other names: c.1154T>G, p.Leu385Trp (NM_001363813.1); short protein forms L385W.
Identifiers: ClinVar variation 1735003 (VCV001735003.4), dbSNP rs75747149, ClinGen allele CA293099002.